The following is an entry in ClinVar:

ClinVar aggregate classification (germline): Likely pathogenic (1 of 4 stars; one submission).

Conditions:
Cardiovascular phenotype. Identifiers: MedGen CN230736.
Hereditary cancer-predisposing syndrome. Also called: Neoplastic Syndromes, Hereditary; Tumor predisposition; Hereditary Cancer Syndrome; Hereditary neoplastic syndrome. Identifiers: Orphanet 140162, MedGen C0027672, MeSH D009386, MONDO:0015356.

Submission:

Ambry Genetics
Classification: Likely pathogenic for Cardiovascular phenotype; Hereditary cancer-predisposing syndrome. Last evaluated: 2025-12-11. Review status: criteria provided, single submitter. Criteria: Ambry Variant Classification Scheme 2023. Collection method: clinical testing. Allele origin: germline.
Comment: The c.1225_1260+29del65 variant results from a deletion of 65 nucleotides between positions c.1225 and c.1260+29 and involves the canonical splice donor site after coding exon 11 of the NF1 gene. This variant is considered to be rare based on population cohorts in the Genome Aggregation Database (gnomAD). The canonical splice donor site is highly conserved in available vertebrate species. In silico splice site analysis predicts that this alteration will weaken the native splice donor site. RNA studies have demonstrated that this alteration results in abnormal splicing in the set of samples tested (Ambry internal data). Alterations that disrupt the canonical splice site are expected to cause aberrant splicing, resulting in an abnormal protein or a transcript that is subject to nonsense-mediated mRNA decay. As such, this alteration is classified as likely pathogenic.

NM_001042492.3(NF1):c.1225_1260+29del

Gene: NF1 (neurofibromin 1; plus strand). Cytogenetic location: 17q11.2.
Variant type: Deletion.
Coding change: c.1225_1260+29del on transcript NM_001042492.3 (MANE Select); coding-DNA position 1225 through 29 bases into the intron after coding-DNA position 1260, 65 bases deleted.
Molecular consequence: splice donor variant.
Genome position (GRCh38, 1-based): chr17:31,201,450-31,201,514, 65 bases deleted. GRCh37 (hg19): chr17:29,528,468-29,528,532.
Other names: c.1225_1260+29del (NM_000267.4, NM_001128147.3).
Identifiers: ClinVar variation 4615830 (VCV004615830.1).